The following is an entry in ClinVar:

ClinVar aggregate classification (germline): Uncertain significance (1 of 4 stars; one submission).

Submission:

Labcorp Genetics (formerly Invitae), Labcorp
Classification: Uncertain significance. Last evaluated: 2025-02-06. Review status: criteria provided, single submitter. Criteria: Invitae Variant Classification Sherloc (09022015). Collection method: clinical testing. Allele origin: germline.
Comment: This variant, c.254_256dup, results in the insertion of 1 amino acid(s) of the IRF2BP2 protein (p.Pro85dup), but otherwise preserves the integrity of the reading frame. This variant is not present in population databases (gnomAD no frequency). This variant has not been reported in the literature in individuals affected with IRF2BP2-related conditions. In summary, the available evidence is currently insufficient to determine the role of this variant in disease. Therefore, it has been classified as a Variant of Uncertain Significance.

NM_182972.3(IRF2BP2):c.248CGC[4] (p.Pro85_Leu86insPro)

Genes: IRF2BP2 (interferon regulatory factor 2 binding protein 2; minus strand), LOC129932812 (ATAC-STARR-seq lymphoblastoid silent region 1977; plus strand). Cytogenetic location: 1q42.3.
Variant type: Microsatellite.
Coding change: c.248CGC[4] on transcript NM_182972.3 (MANE Select); four copies in a row of the 3-base unit CGC starting at c.248; the reference has three copies in a row; one copy, 3 bases duplicated.
Protein change: p.Pro85_Leu86insPro.
Genome position (GRCh38, 1-based): chr1:234,609,239-234,609,241, GCG duplicated on the plus strand (CGC on the coding strand, the reverse complement: IRF2BP2 is on the minus strand); duplicating any 3 consecutive bases within chr1:234,609,239-234,609,249 gives the same sequence; the position shown is the placement nearest the transcript's 3' end. VCF-style (leftmost placement, unchanged base first): chr1-234609238-A-AGCG. GRCh37 (hg19) VCF-style: chr1-234744984-A-AGCG.
Other names: c.248CGC[4], p.Pro85_Leu86insPro (NM_001077397.1).
Identifiers: ClinVar variation 4764715 (VCV004764715.1).
Genomic context (GRCh38, chr1:234,609,238, plus strand): 5'-GCCTCGGGGCCGCCGTGGCCAAGCTGCTGCTGCTGCTGCAAAAGGATGTCCTTGGCGGAG[A>AGCG]GCGGCGGCGGCTTGGCGGCGGCCGAGGCCGCGGCGCCGGGTGGGGAGCGACCCTCCGGGA-3'